The following is an entry in ClinVar:

ClinVar aggregate classification (germline): Uncertain significance (1 of 4 stars; one submission).

Submission:

Labcorp Genetics (formerly Invitae), Labcorp
Classification: Uncertain significance. Last evaluated: 2022-08-23. Review status: criteria provided, single submitter. Criteria: Invitae Variant Classification Sherloc (09022015). Collection method: clinical testing. Allele origin: germline.
Comment: This variant is not present in population databases (gnomAD no frequency). This sequence change replaces aspartic acid, which is acidic and polar, with glycine, which is neutral and non-polar, at codon 674 of the VPS13A protein (p.Asp674Gly). In summary, the available evidence is currently insufficient to determine the role of this variant in disease. Therefore, it has been classified as a Variant of Uncertain Significance. Algorithms developed to predict the effect of sequence changes on RNA splicing suggest that this variant may disrupt the consensus splice site. Algorithms developed to predict the effect of missense changes on protein structure and function are either unavailable or do not agree on the potential impact of this missense change (SIFT: "Deleterious"; PolyPhen-2: "Probably Damaging"; Align-GVGD: "Class C0"). This variant has not been reported in the literature in individuals affected with VPS13A-related conditions.

NM_033305.3(VPS13A):c.2021A>G (p.Asp674Gly)

Gene: VPS13A (vacuolar protein sorting 13 homolog A; plus strand). Cytogenetic location: 9q21.2.
Variant type: single nucleotide variant.
Coding change: c.2021A>G on transcript NM_033305.3 (MANE Select); coding-DNA position 2021, A replaced by G.
Protein change: p.Asp674Gly; replaces aspartic acid 674 with glycine.
Molecular consequence: missense variant.
Genome position (GRCh38, 1-based): chr9:77,247,379, A>G. VCF-style: chr9-77247379-A-G. GRCh37 (hg19) VCF-style: chr9-79862295-A-G.
Other names: c.2021A>G, p.Asp674Gly (NM_001018037.2, NM_001018038.3, NM_015186.4); short protein forms D674G.
Identifiers: ClinVar variation 1905412 (VCV001905412.5), dbSNP rs2537702204, ClinGen allele CA373849235.